The following is an entry in ClinVar:

ClinVar aggregate classification (germline): Uncertain significance. Review status: criteria provided, multiple submitters, no conflicts (2 of 4 stars). 3 submissions from 3 submitters: Uncertain significance (3). Last evaluated 2025-08-13.

Conditions:
Acrocallosal syndrome (ACLS). Also called: HALLUX DUPLICATION, POSTAXIAL POLYDACTYLY, AND ABSENCE OF CORPUS CALLOSUM; Schinzel syndrome 1; Absence of corpus callosum with unusual facial appearance, mental deficiency, duplication of the halluces and polydactyly. Identifiers: Orphanet 36, MedGen C0796147, MONDO:0008708, OMIM 200990.
Multiple epiphyseal dysplasia, Al-Gazali type. Also called: Macrocephaly with multiple epiphyseal dysplasia and distinctive facies. Identifiers: Orphanet 166024, MedGen C1846722, MONDO:0011778, OMIM 607131.
Hydrolethalus syndrome 2 (HLS2). Identifiers: Orphanet 2189, MedGen C3279899, MONDO:0013585, OMIM 614120.
Inborn genetic diseases. Identifiers: MedGen C0950123, MeSH D030342.

Allele frequency attached by ClinVar (database versions not stated): gnomAD 0.00001; gnomAD exomes 0.00001; TOPMed 0.00002.
gnomAD v4.1: 6 of 1,551,670 alleles (0.00039%); highest among the groups gnomAD compares: Admixed American, 0.0039%; no homozygotes.

Submissions (3):

Ambry Genetics
Classification: Uncertain significance for Inborn genetic diseases. Last evaluated: 2025-08-13. Review status: criteria provided, single submitter. Criteria: Ambry Variant Classification Scheme 2023. Collection method: clinical testing. Allele origin: germline.

Fulgent Genetics
Classification: Uncertain significance for Acrocallosal syndrome; Multiple epiphyseal dysplasia, Al-Gazali type; Hydrolethalus syndrome 2. Last evaluated: 2024-05-28. Review status: criteria provided, single submitter. Criteria: ACMG Guidelines, 2015. Collection method: clinical testing. Allele origin: germline.

Labcorp Genetics (formerly Invitae), Labcorp
Classification: Uncertain significance for Acrocallosal syndrome. Last evaluated: 2021-08-30. Review status: criteria provided, single submitter. Criteria: Invitae Variant Classification Sherloc (09022015). Collection method: clinical testing. Allele origin: germline.
Comment: This sequence change replaces aspartic acid with asparagine at codon 132 of the KIF7 protein (p.Asp132Asn). The aspartic acid residue is weakly conserved and there is a small physicochemical difference between aspartic acid and asparagine. This variant is not present in population databases (ExAC no frequency). This variant has not been reported in the literature in individuals affected with KIF7-related conditions. Algorithms developed to predict the effect of missense changes on protein structure and function are either unavailable or do not agree on the potential impact of this missense change (SIFT: "Deleterious"; PolyPhen-2: "Probably Damaging"; Align-GVGD: "Class C0"). In summary, the available evidence is currently insufficient to determine the role of this variant in disease. Therefore, it has been classified as a Variant of Uncertain Significance.

NM_198525.3(KIF7):c.394G>A (p.Asp132Asn)

Gene: KIF7 (kinesin family member 7; minus strand). Cytogenetic location: 15q26.1.
Variant type: single nucleotide variant.
Coding change: c.394G>A on transcript NM_198525.3 (MANE Select); coding-DNA position 394, G replaced by A.
Protein change: p.Asp132Asn; replaces aspartic acid 132 with asparagine.
Molecular consequence: missense variant.
Genome position (GRCh38, 1-based): chr15:89,649,876, C>T on the plus strand (G>A on the coding strand, the complement: KIF7 is on the minus strand). VCF-style: chr15-89649876-C-T. GRCh37 (hg19) VCF-style: chr15-90193107-C-T.
Other names: c.394G>A (NM_198525.2); short protein forms D132N.
Identifiers: ClinVar variation 1477818 (VCV001477818.7), dbSNP rs1410526224, ClinGen allele CA393777277.